The following is an entry in ClinVar:

NM_024721.5(ZFHX4):c.665C>T (p.Pro222Leu)

Gene: ZFHX4 (zinc finger homeobox 4; plus strand). Cytogenetic location: 8q21.13.
Variant type: single nucleotide variant.
Coding change: c.665C>T on transcript NM_024721.5 (MANE Select); coding-DNA position 665, C replaced by T.
Protein change: p.Pro222Leu; replaces proline 222 with leucine.
Molecular consequence: missense variant.
Genome position (GRCh38, 1-based): chr8:76,704,753, C>T. VCF-style: chr8-76704753-C-T. GRCh37 (hg19) VCF-style: chr8-77616988-C-T.
Other names: c.665C>T, p.Pro222Leu (NM_001410934.1); short protein forms P222L.
Identifiers: ClinVar variation 4607487 (VCV004607487.1).

ClinVar aggregate classification (germline): Uncertain significance (1 of 4 stars; one submission).

gnomAD v4.1: 2 of 1,613,986 alleles (0.00012%); highest among the groups gnomAD compares: Admixed American, 0.0033%; no homozygotes.

Submission:

Ambry Genetics
Classification: Uncertain significance. Last evaluated: 2025-11-11. Review status: criteria provided, single submitter. Criteria: Ambry Variant Classification Scheme 2023. Collection method: clinical testing. Allele origin: germline.
Comment: The c.665C>T (p.P222L) alteration is located in exon 2 (coding exon 1) of the ZFHX4 gene. This alteration results from a C to T substitution at nucleotide position 665, causing the proline (P) at amino acid position 222 to be replaced by a leucine (L). Based on data from gnomAD, the T allele has an overall frequency of <0.001% (1/249174) total alleles studied. The highest observed frequency was 0.003% (1/34518) of Latino alleles. Based on insufficient or conflicting evidence, the clinical significance of this alteration remains unclear.